The following is an entry in ClinVar:

NM_002968.3(SALL1):c.252del (p.Phe85fs)

Gene: SALL1 (spalt like transcription factor 1; minus strand). Cytogenetic location: 16q12.1.
Variant type: Deletion.
Coding change: c.252del on transcript NM_002968.3 (MANE Select); coding-DNA position 252, one base deleted (C; older notation c.252delC).
Protein change: p.Phe85fs; shifts the reading frame from phenylalanine 85.
Molecular consequence: frameshift variant. On other transcripts: 5 prime UTR variant (1).
Genome position (GRCh38, 1-based): chr16:51,141,970, G deleted on the plus strand (C on the coding strand, the reverse complement: SALL1 is on the minus strand); the first of 2 consecutive G bases (chr16:51,141,970-51,141,971); deleting either gives the same sequence. VCF-style (leftmost placement, unchanged base first): chr16-51141969-AG-A. GRCh37 (hg19) VCF-style: chr16-51175880-AG-A.
Other names: c.-40del (NM_001127892.2); short protein forms F85fs.
Identifiers: ClinVar variation 3236751 (VCV003236751.1), dbSNP rs2506498891.

ClinVar aggregate classification (germline): Likely pathogenic (1 of 4 stars; one submission).

Conditions:
Townes-Brocks syndrome 1 (TBS1). Also called: DEAFNESS, SENSORINEURAL, WITH IMPERFORATE ANUS AND THUMB ANOMALIES; REAR SYNDROME; RENAL-EAR-ANAL-RADIAL SYNDROME; SALL1-Related Townes-Brocks Syndrome. Identifiers: Orphanet 857, MedGen C4551481, MONDO:0054581, OMIM 107480.

Submission:

MVZ Medizinische Genetik Mainz
Classification: Likely pathogenic for Townes-Brocks syndrome 1. Last evaluated: 2023-06-07. Review status: criteria provided, single submitter. Criteria: UK Practice Guidelines For Variant Classification V4 01 2020. Collection method: clinical testing. Allele origin: germline. Inheritance: Autosomal dominant inheritance. Affected: yes. Observed: 1 variant allele.
Comment: ACMG Criteria: PVS1,PM2_SUP